The following is an entry in ClinVar:

NM_001369.3(DNAH5):c.3043_3044insTATTT (p.Thr1015fs)

Genes: DNAH5 (dynein axonemal heavy chain 5; minus strand), DNAH5-AS1 (DNAH5 antisense RNA 1; plus strand). Cytogenetic location: 5p15.2.
Variant type: Insertion.
Coding change: c.3043_3044insTATTT on transcript NM_001369.3 (MANE Select); coding-DNA positions 3043 to 3044, TATTT inserted.
Protein change: p.Thr1015fs; shifts the reading frame from threonine 1015.
Molecular consequence: frameshift variant.
Genome position: GRCh38 VCF-style: chr5-13883034-G-GAAATA. GRCh37 (hg19) VCF-style: chr5-13883143-G-GAAATA.
Other names: short protein forms T1015fs.
Identifiers: ClinVar variation 5010689 (VCV005010689.1).
Genomic context (GRCh38, chr5:13,883,034, plus strand): 5'-TTCAGGGTCTGCTGTACATCTTCCAGGGCAGGGGCCATGACGATGTTGGGAATGGCCAGA[G>GAAATA]TGACGCTTGCCCGGAAAATGGGCAAACTGTTCTGCTTCATGTTAGAGGCACTGTTACTGT-3'

ClinVar aggregate classification (germline): Pathogenic (1 of 4 stars; one submission).

Conditions:
Primary ciliary dyskinesia 3. Identifiers: Orphanet 244, MedGen C1837618, MONDO:0012085, OMIM 608644.

Submission:

Myriad Genetics, Inc.
Classification: Pathogenic for Primary ciliary dyskinesia 3. Last evaluated: 2024-05-14. Review status: criteria provided, single submitter. Criteria: Myriad Autosomal Dominant, Autosomal Recessive and X-Linked Classification Criteria (2023). Collection method: clinical testing. Allele origin: unknown.
Comment: NM_001369.2(DNAH5):c.3043_3044ins5(T1015Ifs*22) is expected to be pathogenic in the context of primary ciliary dyskinesia, DNAH5-related. This variant is predicted to lead to an abnormal or absent protein product due to the creation of a premature termination codon in DNAH5, a gene where loss-of-function variants are known to be pathogenic. Please note: this variant was assessed in the context of healthy population screening.